The following is an entry in ClinVar:

ClinVar aggregate classification (germline): Uncertain significance. Review status: criteria provided, multiple submitters, no conflicts (2 of 4 stars). 3 submissions from 3 submitters: Uncertain significance (3). Last evaluated 2025-08-10.

Conditions:
Inborn genetic diseases. Identifiers: MedGen C0950123, MeSH D030342.

Allele frequency attached by ClinVar (database versions not stated): ExAC 0.00002; TOPMed 0.00004; ESP Exome Variant Server 0.00008.
gnomAD v4.1: 88 of 1,611,822 alleles (0.0055%); highest among the groups gnomAD compares: Non-Finnish European, 0.0064%; no homozygotes.

Submissions (3):

Ambry Genetics
Classification: Uncertain significance for Inborn genetic diseases. Last evaluated: 2025-08-10. Review status: criteria provided, single submitter. Criteria: Ambry Variant Classification Scheme 2023. Collection method: clinical testing. Allele origin: germline.

CeGaT Center for Human Genetics Tuebingen
Classification: Uncertain significance. Last evaluated: 2025-05-01. Review status: criteria provided, single submitter. Criteria: CeGaT Center For Human Genetics Tuebingen Variant Classification Criteria Version 2. Collection method: clinical testing. Allele origin: germline. Affected: yes. Observed: 1 variant allele.
Comment: SPEG: PM2

Labcorp Genetics (formerly Invitae), Labcorp
Classification: Uncertain significance. Last evaluated: 2022-01-31. Review status: criteria provided, single submitter. Criteria: Invitae Variant Classification Sherloc (09022015). Collection method: clinical testing. Allele origin: germline.
Comment: This sequence change replaces arginine, which is basic and polar, with tryptophan, which is neutral and slightly polar, at codon 2646 of the SPEG protein (p.Arg2646Trp). This variant is present in population databases (rs371959562, gnomAD 0.006%). This variant has not been reported in the literature in individuals affected with SPEG-related conditions. Algorithms developed to predict the effect of missense changes on protein structure and function are either unavailable or do not agree on the potential impact of this missense change (SIFT: "Deleterious"; PolyPhen-2: "Probably Damaging"; Align-GVGD: "Class C0"). In summary, the available evidence is currently insufficient to determine the role of this variant in disease. Therefore, it has been classified as a Variant of Uncertain Significance.

NM_005876.5(SPEG):c.7936C>T (p.Arg2646Trp)

Genes: ASIC4-AS1 (ASIC4 antisense RNA 1; minus strand), SPEG (striated muscle enriched protein kinase; plus strand). Cytogenetic location: 2q35.
Variant type: single nucleotide variant.
Coding change: c.7936C>T on transcript NM_005876.5 (MANE Select); coding-DNA position 7936, C replaced by T.
Protein change: p.Arg2646Trp; replaces arginine 2646 with tryptophan.
Molecular consequence: missense variant.
Genome position (GRCh38, 1-based): chr2:219,488,575, C>T. VCF-style: chr2-219488575-C-T. GRCh37 (hg19) VCF-style: chr2-220353297-C-T.
Other names: short protein forms R2646W.
Identifiers: ClinVar variation 1916619 (VCV001916619.14), dbSNP rs371959562, ClinGen allele CA2127330.